The following is an entry in ClinVar:

NM_005188.4(CBL):c.*337A>C

Gene: CBL (Cbl proto-oncogene; plus strand). Cytogenetic location: 11q23.3.
Variant type: single nucleotide variant.
Coding change: c.*337A>C on transcript NM_005188.4 (MANE Select); 337 bases downstream of the stop codon, A replaced by C.
Molecular consequence: 3 prime UTR variant.
Genome position (GRCh38, 1-based): chr11:119,300,118, A>C. VCF-style: chr11-119300118-A-C. GRCh37 (hg19) VCF-style: chr11-119170828-A-C.
Identifiers: ClinVar variation 878426 (VCV000878426.4), dbSNP rs570986029, ClinGen allele CA229653215.
Genomic context (GRCh38, chr11:119,300,118, plus strand): 5'-GGGAACAGTCCAGAAAGCTATAGAACAAGTATTTTGCTGGAAATCCTAATTGAGGACTTA[A>C]GACTTCCTGGGTTAAGGATGTGGCCGTGTGTGTGTGTGTCTGCCTGTGGTTGTATGTGTC-3'

ClinVar aggregate classification (germline): Benign (1 of 4 stars; one submission).

Conditions:
CBL-related disorder. Also called: CBL MUTATION-ASSOCIATED SYNDROME; CBL SYNDROME; NOONAN SYNDROME-LIKE DISORDER WITHOUT JUVENILE MYELOMONOCYTIC LEUKEMIA. Identifiers: Orphanet 363972, MedGen C3150803, MONDO:0013308, OMIM 613563.

Allele frequency attached by ClinVar (database versions not stated): gnomAD 0.00038 and 0.00047; 1000 Genomes Project 0.00040; TOPMed 0.00046; 1000 Genomes Project 30x 0.00047; gnomAD exomes 0.00086.
gnomAD v4.1: 408 of 549,326 alleles (0.074%); highest among the groups gnomAD compares: South Asian, 0.27%; 2 homozygotes.

Submission:

Illumina Laboratory Services, Illumina
Classification: Benign for CBL-related disorder. Last evaluated: 2018-01-13. Review status: criteria provided, single submitter. Criteria: ICSL Variant Classification Criteria 13 December 2019. Collection method: clinical testing. Allele origin: germline.
Comment: This variant was observed in the ICSL laboratory as part of a predisposition screen in an ostensibly healthy population. It had not been previously curated by ICSL or reported in the Human Gene Mutation Database (HGMD: prior to June 1st, 2018), and was therefore a candidate for classification through an automated scoring system. Utilizing variant allele frequency, disease prevalence and penetrance estimates, and inheritance mode, an automated score was calculated to assess if this variant is too frequent to cause the disease. Based on the score and internal cut-off values, a variant classified as benign is not then subjected to further curation. The score for this variant resulted in a classification of benign for this disease.